The following is an entry in ClinVar:

ClinVar aggregate classification (germline): Uncertain significance. Review status: criteria provided, multiple submitters, no conflicts (2 of 4 stars). 2 submissions from 2 submitters: Uncertain significance (2). Last evaluated 2024-05-09.

Conditions:
Cranioectodermal dysplasia 1 (CED1). Also called: LEVIN SYNDROME I. Identifiers: Orphanet 1515, MedGen C0432235, MONDO:0021093, OMIM 218330.

Allele frequency attached by ClinVar (database versions not stated): gnomAD exomes 0.00001; ExAC 0.00002; gnomAD 0.00002; TOPMed 0.00005.
gnomAD v4.1: 21 of 1,599,990 alleles (0.0013%); highest among the groups gnomAD compares: Admixed American, 0.01%; no homozygotes.

Submissions (2):

Fulgent Genetics
Classification: Uncertain significance for Cranioectodermal dysplasia 1. Last evaluated: 2024-05-09. Review status: criteria provided, single submitter. Criteria: ACMG Guidelines, 2015. Collection method: clinical testing. Allele origin: germline.

GeneDx
Classification: Uncertain significance. Last evaluated: 2023-03-28. Review status: criteria provided, single submitter. Criteria: GeneDx Variant Classification Process June 2021. Collection method: clinical testing. Allele origin: germline. Affected: yes.
Comment: In silico analysis supports that this missense variant does not alter protein structure/function; Has not been previously published as pathogenic or benign to our knowledge

NM_052989.3(IFT122):c.1837G>A (p.Val613Met)

Gene: IFT122 (intraflagellar transport 122; plus strand). Cytogenetic location: 3q21.3.
Variant type: single nucleotide variant.
Coding change: c.1837G>A on transcript NM_052989.3 (MANE Select); coding-DNA position 1837, G replaced by A.
Protein change: p.Val613Met; replaces valine 613 with methionine.
Molecular consequence: missense variant.
Genome position (GRCh38, 1-based): chr3:129,483,668, G>A. VCF-style: chr3-129483668-G-A. GRCh37 (hg19) VCF-style: chr3-129202511-G-A.
Other names: c.1387G>A, p.Val463Met (NM_001280545.2); c.1210G>A, p.Val404Met (NM_001280546.2); c.1837G>A, p.Val613Met (NM_001410808.1, NM_001410809.1); c.1660G>A, p.Val554Met (NM_001410810.1, NM_001410811.1, NM_001410813.1 and 1 more transcripts); c.1504G>A, p.Val502Met (NM_001410815.1, NM_001410817.1, NM_052990.3); c.1990G>A, p.Val664Met (NM_052985.4); c.1813G>A, p.Val605Met (NM_001280541.2); short protein forms V404M, V463M, V502M, V554M, V605M, V613M, V664M.
Identifiers: ClinVar variation 2581902 (VCV002581902.2), dbSNP rs745308803, ClinGen allele CA2606298.
Genomic context (GRCh38, chr3:129,483,668, plus strand): 5'-TTTGTGGTCGGCTACAATGGCTCCAAGATCTTCTGCCTCCATGTCTTCTCCATTTCTGCC[G>A]TGGAGGTGCCGCAGGTAACTGGGGGTGCCTGTCCACTCTTAGCACTGGCAAGGCTGACAA-3'
Protein context (NP_443715.1, residues 603-623): FCLHVFSISA[Val613Met]EVPQSAPMYQ